The following is an entry in ClinVar:

NM_003900.5(SQSTM1):c.223G>A (p.Val75Ile)

Gene: SQSTM1 (sequestosome 1; plus strand). Cytogenetic location: 5q35.3.
Variant type: single nucleotide variant.
Coding change: c.223G>A on transcript NM_003900.5 (MANE Select); coding-DNA position 223, G replaced by A.
Protein change: p.Val75Ile; replaces valine 75 with isoleucine.
Molecular consequence: missense variant. On other transcripts: 5 prime UTR variant (2).
Genome position (GRCh38, 1-based): chr5:179,822,975, G>A. VCF-style: chr5-179822975-G-A. GRCh37 (hg19) VCF-style: chr5-179249975-G-A.
Other names: c.-30G>A (NM_001142298.2, NM_001142299.2); short protein forms V75I.
Identifiers: ClinVar variation 3892555 (VCV003892555.4).

ClinVar aggregate classification (germline): Uncertain significance. Review status: criteria provided, multiple submitters, no conflicts (2 of 4 stars). 3 submissions from 3 submitters: Uncertain significance (3). Last evaluated 2026-06-01.

Conditions:
Neurodegeneration with ataxia, dystonia, and gaze palsy, childhood-onset (NADGP). Identifiers: MedGen C4310693, MONDO:0014940, OMIM 617145.
Myopathy, distal, with rimmed vacuoles (DMRV). Also called: MULTISYSTEM PROTEINOPATHY 4. Identifiers: MedGen C5399975, MONDO:0014945, OMIM 617158.
Frontotemporal dementia and/or amyotrophic lateral sclerosis 3. Also called: FTDALS3. Identifiers: Orphanet 275864, Orphanet 275872, Orphanet 803, MedGen C4225326, MONDO:0014640, OMIM 616437.
Paget disease of bone 3. Identifiers: MedGen C4085252, MONDO:0008176, OMIM 167250.
Frontotemporal dementia and/or amyotrophic lateral sclerosis 1 (FTDALS1). Also called: Frontotemporal dementia with motor neuron disease 1; C9orf72 Frontotemporal Dementia and/or Amyotrophic Lateral Sclerosis. Identifiers: Orphanet 275872, MedGen C5779877, MONDO:0007105, OMIM 105550.
Paget disease of bone 2, early-onset (PDB2). Also called: Paget disease of bone 2. Identifiers: MedGen C4085251, MONDO:0011183, OMIM 602080.

Submissions (3):

CeGaT Center for Human Genetics Tuebingen
Classification: Uncertain significance. Last evaluated: 2026-06-01. Review status: criteria provided, single submitter. Criteria: CeGaT Center For Human Genetics Tuebingen Variant Classification Criteria Version 2. Collection method: clinical testing. Allele origin: germline. Affected: yes. Observed: 1 variant allele.
Comment: SQSTM1: PM2

Labcorp Genetics (formerly Invitae), Labcorp
Classification: Uncertain significance for Paget disease of bone 2, early-onset; Frontotemporal dementia and/or amyotrophic lateral sclerosis 1. Last evaluated: 2026-01-01. Review status: criteria provided, single submitter. Criteria: Invitae Variant Classification Sherloc (09022015). Collection method: clinical testing. Allele origin: germline.
Comment: This sequence change replaces valine, which is neutral and non-polar, with isoleucine, which is neutral and non-polar, at codon 75 of the SQSTM1 protein (p.Val75Ile). The frequency data for this variant in the population databases is considered unreliable, as metrics indicate poor data quality at this position in the gnomAD database. This variant has not been reported in the literature in individuals affected with SQSTM1-related conditions. ClinVar contains an entry for this variant (Variation ID: 3892555). Invitae Evidence Modeling of protein sequence and biophysical properties (such as structural, functional, and spatial information, amino acid conservation, physicochemical variation, residue mobility, and thermodynamic stability) indicates that this missense variant is not expected to disrupt SQSTM1 protein function with a negative predictive value of 80%. In summary, the available evidence is currently insufficient to determine the role of this variant in disease. Therefore, it has been classified as a Variant of Uncertain Significance.

Department of Pathology and Laboratory Medicine, Sinai Health System
Classification: Uncertain significance for Paget disease of bone 3; Frontotemporal dementia and/or amyotrophic lateral sclerosis 3; Neurodegeneration with ataxia, dystonia, and gaze palsy, childhood-onset; Myopathy, distal, with rimmed vacuoles. Last evaluated: 2021-07-30. Review status: criteria provided, single submitter. Criteria: ACMG Guidelines, 2015. Collection method: research. Allele origin: germline.